The following is an entry in ClinVar:

ClinVar aggregate classification (germline): Uncertain significance (1 of 4 stars; one submission).

gnomAD v4.1: 15 of 1,614,194 alleles (0.00093%); highest among the groups gnomAD compares: East Asian, 0.0022%; no homozygotes.

Submission:

Labcorp Genetics (formerly Invitae), Labcorp
Classification: Uncertain significance. Last evaluated: 2025-07-03. Review status: criteria provided, single submitter. Criteria: Invitae Variant Classification Sherloc (09022015). Collection method: clinical testing. Allele origin: germline.
Comment: This sequence change replaces asparagine, which is neutral and polar, with serine, which is neutral and polar, at codon 558 of the DUOX2 protein (p.Asn558Ser). This variant is not present in population databases (gnomAD no frequency). This variant has not been reported in the literature in individuals affected with DUOX2-related conditions. Invitae Evidence Modeling of protein sequence and biophysical properties (such as structural, functional, and spatial information, amino acid conservation, physicochemical variation, residue mobility, and thermodynamic stability) indicates that this missense variant is not expected to disrupt DUOX2 protein function with a negative predictive value of 80%. In summary, the available evidence is currently insufficient to determine the role of this variant in disease. Therefore, it has been classified as a Variant of Uncertain Significance.

NM_001363711.2(DUOX2):c.1673A>G (p.Asn558Ser)

Gene: DUOX2 (dual oxidase 2; minus strand). Cytogenetic location: 15q21.1.
Variant type: single nucleotide variant.
Coding change: c.1673A>G on transcript NM_001363711.2 (MANE Select); coding-DNA position 1673, A replaced by G.
Protein change: p.Asn558Ser; replaces asparagine 558 with serine.
Molecular consequence: missense variant.
Genome position (GRCh38, 1-based): chr15:45,107,365, T>C on the plus strand (A>G on the coding strand, the complement: DUOX2 is on the minus strand). VCF-style: chr15-45107365-T-C. GRCh37 (hg19) VCF-style: chr15-45399563-T-C.
Other names: c.1673A>G, p.Asn558Ser (NM_014080.5); short protein forms N558S.
Identifiers: ClinVar variation 4772986 (VCV004772986.1).